The following is an entry in ClinVar:

ClinVar aggregate classification (germline): Conflicting classifications of pathogenicity. Review status: criteria provided, conflicting classifications (1 of 4 stars). 3 submissions from 2 submitters: Uncertain significance (2); Benign (1). Last evaluated 2018-01-13.

Conditions:
Familial hyperinsulinism. Also called: Congenital hyperinsulinism. Identifiers: Orphanet 276525, MedGen C3888018, MONDO:0017182. Disease mechanism: loss of function.
Maturity-onset diabetes of the young type 1. Also called: MILD JUVENILE DIABETES MELLITUS; MODY, type I; MODY type 1; Diabetes mellitus MODY type 1; MODY HNF4A related; HNF4A-Related Maturity-Onset Diabetes of the Young Type 1. Identifiers: Orphanet 552, MedGen C1852093, MONDO:0007452, OMIM 125850. Disease mechanism: loss of function.
Maturity-onset diabetes of the young (MODY). Also called: Maturity onset diabetes mellitus in young. Identifiers: Orphanet 552, MedGen C0342276, MONDO:0018911, HP:0004904.

Allele frequency attached by ClinVar (database versions not stated): gnomAD 0.00001; TOPMed 0.00001.

Submissions (3):

Illumina Laboratory Services, Illumina
Classification: Uncertain significance for Maturity-onset diabetes of the young type 1. Last evaluated: 2018-01-13. Review status: criteria provided, single submitter. Criteria: ICSL Variant Classification Criteria 13 December 2019. Collection method: clinical testing. Allele origin: germline.

Illumina Laboratory Services, Illumina
Classification: Uncertain significance for Familial hyperinsulinism. Last evaluated: 2018-01-13. Review status: criteria provided, single submitter. Criteria: ICSL Variant Classification Criteria 13 December 2019. Collection method: clinical testing. Allele origin: germline.

Clinical Genomics, Uppaluri K&H Personalized Medicine Clinic
Classification: Benign for Maturity-onset diabetes of the young. Review status: criteria provided, single submitter. Criteria: K & H Uppaluri Personalized Medicine Clinic Variant Classification & Assertion Criteria_Updated V.1. Collection method: research. Allele origin: unknown. Inheritance: Autosomal dominant inheritance.
Comment: Potent mutations in HNF4A are associated with poor insulin secretion in response to hyperglycemia. Associated with MODY1. Patients initially respond well to sulfonylureas but eventually become insulin dependent. However, more evidence is required to ascertain the role of this particular variant rs886056688 in MODY, yet.

Literature cited by the submitters: DOI 10.1159/000334532 (cited by Clinical Genomics, Uppaluri K&H Personalized Medicine Clinic); PubMed 18268044 (cited by Clinical Genomics, Uppaluri K&H Personalized Medicine Clinic); PubMed 17563455 (cited by Clinical Genomics, Uppaluri K&H Personalized Medicine Clinic); PubMed 32583173 (cited by Clinical Genomics, Uppaluri K&H Personalized Medicine Clinic); PubMed 35052457 (cited by Clinical Genomics, Uppaluri K&H Personalized Medicine Clinic); PubMed 35118593 (cited by Clinical Genomics, Uppaluri K&H Personalized Medicine Clinic).

NM_175914.5(HNF4A):c.*2558T>C

Gene: HNF4A (hepatocyte nuclear factor 4 alpha; plus strand). Cytogenetic location: 20q13.12.
Variant type: single nucleotide variant.
Coding change: c.*2558T>C on transcript NM_175914.5 (MANE Select); 2558 bases downstream of the stop codon, T replaced by C.
Molecular consequence: 3 prime UTR variant.
Genome position (GRCh38, 1-based): chr20:44,432,223, T>C. VCF-style: chr20-44432223-T-C. GRCh37 (hg19) VCF-style: chr20-43060863-T-C.
Other names: c.*2558T>C (NM_000457.6, NM_001030003.3, NM_001258355.2 and 3 more transcripts).
Identifiers: ClinVar variation 338472 (VCV000338472.6), dbSNP rs886056688, ClinGen allele CA10652542.
Genomic context (GRCh38, chr20:44,432,223, plus strand): 5'-ACAGTGGCCCTTCATGGGAACAATCTGTTGGAGCAGGGGGTCAGTTCTCTGCTGGGAATC[T>C]ACCCCTTTCTGGAGGAGAAACCCATTCCACCTTAATAACTTTATTGTAATGTGAGAAACA-3'